The following is an entry in ClinVar:

NC_000022.11:g.(?_28687891)_(28734727_?)del

Gene: CHEK2 (checkpoint kinase 2; minus strand). Cytogenetic location: 22q12.1.
Variant type: Deletion.
Identifiers: ClinVar variation 530273 (VCV000530273.2).

ClinVar aggregate classification (germline): Pathogenic (1 of 4 stars; one submission).

Conditions:
Familial cancer of breast. Also called: BREAST CANCER, FAMILIAL; Hereditary breast cancer; hereditary breast carcinoma. Identifiers: Orphanet 227535, MedGen C0346153, MONDO:0016419, OMIM 114480. Disease mechanism: loss of function.

Submission:

Labcorp Genetics (formerly Invitae), Labcorp
Classification: Pathogenic for Familial cancer of breast. Last evaluated: 2017-09-06. Review status: criteria provided, single submitter. Criteria: Invitae Variant Classification Sherloc (09022015). Collection method: clinical testing. Allele origin: germline.
Comment: A gross deletion of the genomic region encompassing the full coding sequence of the CHEK2 gene has been identified. The boundaries of this event are unknown as the deletion extends beyond the assayed region for this gene and therefore may encompass additional genes. While this particular gross deletion has not been reported in the literature, exon-level deletions in CHEK2 have been reported in affected individuals (PMID: 16551709, 24763289, 17085682). Loss-of-function variants in CHEK2 are known to be pathogenic (PMID: 21876083, 24713400). For these reasons, this variant has been classified as Pathogenic.

Literature cited by the submitters: PubMed 17085682; PubMed 16551709; PubMed 24763289.